The following is an entry in ClinVar:

NM_000545.8(HNF1A):c.1583C>G (p.Thr528Ser)

Gene: HNF1A (HNF1 homeobox A; plus strand). Cytogenetic location: 12q24.31.
Variant type: single nucleotide variant.
Coding change: c.1583C>G on transcript NM_000545.8 (MANE Select); coding-DNA position 1583, C replaced by G.
Protein change: p.Thr528Ser; replaces threonine 528 with serine.
Molecular consequence: missense variant.
Genome position (GRCh38, 1-based): chr12:120,999,349, C>G. VCF-style: chr12-120999349-C-G. GRCh37 (hg19) VCF-style: chr12-121437152-C-G.
Other names: c.1583C>G, p.Thr528Ser (NM_001306179.2); c.1391C>G, p.Thr464Ser (NM_001406915.1); short protein forms T464S, T528S.
Identifiers: ClinVar variation 3383464 (VCV003383464.1).

ClinVar aggregate classification (germline): Uncertain significance (1 of 4 stars; one submission).

Submission:

GeneDx
Classification: Uncertain significance. Last evaluated: 2024-05-29. Review status: criteria provided, single submitter. Criteria: GeneDx Variant Classification Process June 2021. Collection method: clinical testing. Allele origin: germline. Affected: yes.
Comment: Not observed in large population cohorts (gnomAD); In silico analysis supports that this missense variant does not alter protein structure/function; Has not been previously published as pathogenic or benign to our knowledge